The following is an entry in ClinVar:

NM_005120.3(MED12):c.1300G>C (p.Ala434Pro)

Genes: MED12 (mediator complex subunit 12; plus strand), LOC126863275 (BRD4-independent group 4 enhancer GRCh37_chrX:70342400-70343599; plus strand). Cytogenetic location: Xq13.1.
Variant type: single nucleotide variant.
Coding change: c.1300G>C on transcript NM_005120.3 (MANE Select); coding-DNA position 1300, G replaced by C.
Protein change: p.Ala434Pro; replaces alanine 434 with proline.
Molecular consequence: missense variant.
Genome position (GRCh38, 1-based): chrX:71,122,559, G>C. VCF-style: chrX-71122559-G-C. GRCh37 (hg19) VCF-style: chrX-70342409-G-C.
Other names: short protein forms A434P.
Identifiers: ClinVar variation 1714365 (VCV001714365.6), dbSNP rs2147783775, ClinGen allele CA413506026.

ClinVar aggregate classification (germline): Uncertain significance (1 of 4 stars; one submission).

Conditions:
FG syndrome (FGS). Identifiers: MedGen C0220769, MONDO:0002010.

Submission:

Labcorp Genetics (formerly Invitae), Labcorp
Classification: Uncertain significance for FG syndrome. Last evaluated: 2022-08-08. Review status: criteria provided, single submitter. Criteria: Invitae Variant Classification Sherloc (09022015). Collection method: clinical testing. Allele origin: germline.
Comment: In summary, the available evidence is currently insufficient to determine the role of this variant in disease. Therefore, it has been classified as a Variant of Uncertain Significance. Advanced modeling of protein sequence and biophysical properties (such as structural, functional, and spatial information, amino acid conservation, physicochemical variation, residue mobility, and thermodynamic stability) performed at Invitae indicates that this missense variant is expected to disrupt MED12 protein function. This variant has not been reported in the literature in individuals affected with MED12-related conditions. This variant is not present in population databases (gnomAD no frequency). This sequence change replaces alanine, which is neutral and non-polar, with proline, which is neutral and non-polar, at codon 434 of the MED12 protein (p.Ala434Pro).